The following is an entry in ClinVar:

NM_004813.4(PEX16):c.13C>T (p.Arg5Trp)

Gene: PEX16 (peroxisomal biogenesis factor 16; minus strand). Cytogenetic location: 11p11.2.
Variant type: single nucleotide variant.
Coding change: c.13C>T on transcript NM_004813.4 (MANE Select); coding-DNA position 13, C replaced by T.
Protein change: p.Arg5Trp; replaces arginine 5 with tryptophan.
Molecular consequence: missense variant.
Genome position (GRCh38, 1-based): chr11:45,917,799, G>A on the plus strand (C>T on the coding strand, the complement: PEX16 is on the minus strand). VCF-style: chr11-45917799-G-A. GRCh37 (hg19) VCF-style: chr11-45939350-G-A.
Other names: c.13C>T, p.Arg5Trp (NM_057174.3); c.13C>T (NM_004813.2); short protein forms R5W.
Identifiers: ClinVar variation 1494820 (VCV001494820.7), dbSNP rs768102300, ClinGen allele CA5960132.

ClinVar aggregate classification (germline): Uncertain significance. Review status: criteria provided, multiple submitters, no conflicts (2 of 4 stars). 2 submissions from 2 submitters: Uncertain significance (2). Last evaluated 2023-10-13.

Conditions:
Inborn genetic diseases. Identifiers: MedGen C0950123, MeSH D030342.
Peroxisome biogenesis disorder. Identifiers: Orphanet 79189, MedGen C1832200, MONDO:0019234. Disease mechanism: loss of function.

Allele frequency attached by ClinVar (database versions not stated): gnomAD exomes 0.00001 and 0.00003; TOPMed 0.00001; gnomAD 0.00002; ExAC 0.00011.

Submissions (2):

Labcorp Genetics (formerly Invitae), Labcorp
Classification: Uncertain significance for Peroxisome biogenesis disorder. Last evaluated: 2023-10-13. Review status: criteria provided, single submitter. Criteria: Invitae Variant Classification Sherloc (09022015). Collection method: clinical testing. Allele origin: germline.
Comment: This sequence change replaces arginine, which is basic and polar, with tryptophan, which is neutral and slightly polar, at codon 5 of the PEX16 protein (p.Arg5Trp). The frequency data for this variant in the population databases is considered unreliable, as metrics indicate poor data quality at this position in the gnomAD database. This variant has not been reported in the literature in individuals affected with PEX16-related conditions. ClinVar contains an entry for this variant (Variation ID: 1494820). An algorithm developed to predict the effect of missense changes on protein structure and function (PolyPhen-2) suggests that this variant is likely to be disruptive. In summary, the available evidence is currently insufficient to determine the role of this variant in disease. Therefore, it has been classified as a Variant of Uncertain Significance.

Ambry Genetics
Classification: Uncertain significance for Inborn genetic diseases. Last evaluated: 2021-08-17. Review status: criteria provided, single submitter. Criteria: Ambry Variant Classification Scheme 2023. Collection method: clinical testing. Allele origin: germline.